The following is an entry in ClinVar:

ClinVar aggregate classification (germline): Uncertain significance (1 of 4 stars; one submission).

Submission:

GeneDx
Classification: Uncertain significance. Last evaluated: 2024-09-19. Review status: criteria provided, single submitter. Criteria: GeneDx Variant Classification Process June 2021. Collection method: clinical testing. Allele origin: germline. Affected: yes.
Comment: Frameshift variant predicted to result in protein truncation or nonsense mediated decay in a gene for which loss of function is a known mechanism of disease; Has not been previously published as pathogenic or benign to our knowledge

NM_004183.4(BEST1):c.201_202del (p.Tyr68fs)

Gene: BEST1 (bestrophin 1; plus strand). Cytogenetic location: 11q12.3.
Variant type: Deletion.
Coding change: c.201_202del on transcript NM_004183.4 (MANE Select); coding-DNA positions 201 to 202, 2 bases deleted (GT; older notation c.201_202delGT).
Protein change: p.Tyr68fs; shifts the reading frame from tyrosine 68.
Molecular consequence: frameshift variant. On other transcripts: non-coding transcript variant (1).
Genome position (GRCh38, 1-based): chr11:61,955,155-61,955,156, GT deleted; deleting any 2 consecutive bases within chr11:61,955,154-61,955,156 gives the same sequence; the c. name uses the placement nearest the transcript's 3' end. VCF-style (leftmost placement, unchanged base first): chr11-61955153-CTG-C. GRCh37 (hg19) VCF-style: chr11-61722625-CTG-C.
Other names: c.21_22delGT, p.Tyr8Leufs (NM_001139443.3); c.21_22del, p.Tyr8fs (NM_001300786.2, NM_001300787.2); c.201_202delGT, p.Tyr68Leufs (NM_001363592.2); short protein forms Y68fs, Y8fs.
Identifiers: ClinVar variation 3774129 (VCV003774129.1).